The following is an entry in ClinVar:

ClinVar aggregate classification (germline): Pathogenic (1 of 4 stars; one submission).

Submission:

GeneDx
Classification: Pathogenic. Last evaluated: 2015-04-28. Review status: criteria provided, single submitter. Criteria: GeneDx Variant Classification (06012015). Collection method: clinical testing. Allele origin: germline. Affected: yes.
Comment: The C312Y variant in the TP63 gene has been reported as C273Y in association with ectrodactyly-ed-clefting syndrome (van Bokhoven et al., 2002). The C312Y substitution was not observed in approximately 6,500 individuals of European and African American ancestry in the NHLBI Exome Sequencing Project, indicating it is not a common benign variant in these populations. The C312Y variant is a non-conservative amino acid substitution that occurs at a position that is conserved across species. In silicoanalysis predicts this variant is probably damaging to the protein structure/function. Missense variants innearby residues (C308Y, S310T, S311T, S311N, R318S, R318C, R318H, R319C, R319S, R319H) havebeen reported in the Human Gene Mutation Database in association with TP63-related disorders (Stensonet al., 2014), supporting the functional importance of this region of the protein. Therefore, we interpret C312Y as a pathogenic variant.

NM_003722.5(TP63):c.935G>A (p.Cys312Tyr)

Gene: TP63 (tumor protein p63; plus strand). Cytogenetic location: 3q28.
Variant type: single nucleotide variant.
Coding change: c.935G>A on transcript NM_003722.5 (MANE Select); coding-DNA position 935, G replaced by A.
Protein change: p.Cys312Tyr; replaces cysteine 312 with tyrosine.
Molecular consequence: missense variant.
Genome position (GRCh38, 1-based): chr3:189,867,885, G>A. VCF-style: chr3-189867885-G-A. GRCh37 (hg19) VCF-style: chr3-189585674-G-A.
Other names: c.935G>A, p.Cys312Tyr (NM_001114978.2, NM_001114979.2, NM_001329144.2 and 1 more transcripts); c.653G>A, p.Cys218Tyr (NM_001114980.2, NM_001114981.2, NM_001114982.2 and 2 more transcripts); c.398G>A, p.Cys133Tyr (NM_001329146.2, NM_001329150.2); c.929G>A, p.Cys310Tyr (NM_001329964.2); short protein forms C312Y, C218Y, C133Y, C310Y.
Identifiers: ClinVar variation 379608 (VCV000379608.2), dbSNP rs1057520664, ClinGen allele CA16604844.